The following is an entry in ClinVar:

ClinVar aggregate classification (germline): Likely benign (1 of 4 stars; one submission).

Allele frequency attached by ClinVar (database versions not stated): gnomAD 0.05377 and 0.05389; 1000 Genomes Project 0.33586.

Submissions (3):

GeneDx
Classification: Likely benign. Last evaluated: 2018-06-14. Review status: criteria provided, single submitter. Criteria: GeneDx Variant Classification (06012015). Collection method: clinical testing. Allele origin: germline. Affected: yes.
Comment: This variant is considered likely benign or benign based on one or more of the following criteria: it is a conservative change, it occurs at a poorly conserved position in the protein, it is predicted to be benign by multiple in silico algorithms, and/or has population frequency not consistent with disease.

Dr. Peter K. Rogan Lab, Western University
No classification provided (evidence only). Condition: Gastric cancer. Review status: no classification provided. Collection method: in vitro. Allele origin: not applicable. Functional consequence: retained intron. Not counted in ClinVar's aggregate classification.

Dr. Peter K. Rogan Lab, Western University
No classification provided (evidence only). Condition: Uterine carcinosarcoma. Review status: no classification provided. Collection method: in vitro. Allele origin: not applicable. Functional consequence: retained intron. Not counted in ClinVar's aggregate classification.

NM_020822.3(KCNT1):c.1510+183T>A

Gene: KCNT1 (potassium sodium-activated channel subfamily T member 1; plus strand). Cytogenetic location: 9q34.3.
Variant type: single nucleotide variant.
Coding change: c.1510+183T>A on transcript NM_020822.3 (MANE Select); 183 bases into the intron after coding-DNA position 1510, T replaced by A.
Molecular consequence: intron variant.
Genome position (GRCh38, 1-based): chr9:135,769,120, T>A. VCF-style: chr9-135769120-T-A. GRCh37 (hg19) VCF-style: chr9-138660966-T-A.
Other names: NC_000009.11:g.138660966T>A; c.1375+183T>A (NM_001272003.2).
Identifiers: ClinVar variation 682134 (VCV000682134.2), dbSNP rs10858171, ClinGen allele CA201472166.